The following is an entry in ClinVar:

ClinVar aggregate classification (germline): Uncertain significance (1 of 4 stars; one submission).

Submission:

Labcorp Genetics (formerly Invitae), Labcorp
Classification: Uncertain significance. Last evaluated: 2021-10-20. Review status: criteria provided, single submitter. Criteria: Invitae Variant Classification Sherloc (09022015). Collection method: clinical testing. Allele origin: germline.
Comment: This sequence change results in a frameshift in the TUBGCP6 gene (p.His1576Alafs*255). While this is not anticipated to result in nonsense mediated decay, it is expected to disrupt the last 244 amino acid(s) of the TUBGCP6 protein and extend the protein by 10 additional amino acid residues. This variant is not present in population databases (gnomAD no frequency). This variant has not been reported in the literature in individuals affected with TUBGCP6-related conditions. In summary, the available evidence is currently insufficient to determine the role of this variant in disease. Therefore, it has been classified as a Variant of Uncertain Significance.

NM_020461.4(TUBGCP6):c.4724_4725insT (p.His1576fs)

Gene: TUBGCP6 (tubulin gamma complex component 6; minus strand). Cytogenetic location: 22q13.33.
Variant type: Insertion.
Coding change: c.4724_4725insT on transcript NM_020461.4 (MANE Select); coding-DNA positions 4724 to 4725, T inserted.
Protein change: p.His1576fs; shifts the reading frame from histidine 1576.
Molecular consequence: frameshift variant.
Genome position: GRCh38 VCF-style: chr22-50218799-C-CA. GRCh37 (hg19) VCF-style: chr22-50657228-C-CA.
Other names: short protein forms H1576fs.
Identifiers: ClinVar variation 1483229 (VCV001483229.6), dbSNP rs2147172866, ClinGen allele CA2573158249.
Genomic context (GRCh38, chr22:50,218,799, plus strand): 5'-GGCGTTGGGGGCAAACACCTCGGGCAGGTACTTGAGAGCGAGGGAGAGGTTGGAGGCGTG[C>CA]GGGGTGTCCCCATGCAGGCTGCACTGCAGGGCCTTGCTCAGCACAGAGTTCAGCACCAGC-3'